The following is an entry in ClinVar:

NM_000051.4(ATM):c.3105_3106dup (p.Phe1036fs)

Gene: ATM (ATM serine/threonine kinase; plus strand). Cytogenetic location: 11q22.3.
Variant type: Microsatellite.
Coding change: c.3105_3106dup on transcript NM_000051.4 (MANE Select); coding-DNA positions 3105 to 3106, 2 bases duplicated (AT; older notation c.3105_3106dupAT).
Protein change: p.Phe1036fs; shifts the reading frame from phenylalanine 1036.
Molecular consequence: frameshift variant.
Genome position (GRCh38, 1-based): chr11:108,272,559-108,272,560, AT duplicated; duplicating any 2 consecutive bases within chr11:108,272,553-108,272,560 gives the same sequence; the c. name uses the placement nearest the transcript's 3' end. VCF-style (leftmost placement, unchanged base first): chr11-108272552-A-AAT. GRCh37 (hg19) VCF-style: chr11-108143279-A-AAT.
Other names: c.3105_3106dup, p.Phe1036fs (NM_001351834.2); short protein forms F1036fs.
Identifiers: ClinVar variation 839733 (VCV000839733.7), dbSNP rs2081640268, ClinGen allele CA916079947.
Genomic context (GRCh38, chr11:108,272,552, plus strand): 5'-AGAATGATTATTTAACTTTGGAAAACTTACTTGATTTCAGGCATCTAACAAAGGAGAGGA[A>AAT]ATATATATTCTCTGTAAGAATGGCCCTAGTAAATTGCCTTAAAACTTTGCTTGAGGTGAG-3'

ClinVar aggregate classification (germline): Pathogenic (1 of 4 stars; one submission).

Conditions:
Ataxia-telangiectasia syndrome (AT). Also called: Ataxia-telangiectasia, complementation group D; AT, COMPLEMENTATION GROUP C; Ataxia telangiectasia (A-T); Cerebello-oculocutaneous telangiectasia; Immunodeficiency with ataxia telangiectasia; Ataxia-telangiectasia. Identifiers: Orphanet 100, MedGen C0004135, MONDO:0008840, OMIM 208900.

Submission:

Labcorp Genetics (formerly Invitae), Labcorp
Classification: Pathogenic for Ataxia-telangiectasia syndrome. Last evaluated: 2019-11-20. Review status: criteria provided, single submitter. Criteria: Invitae Variant Classification Sherloc (09022015). Collection method: clinical testing. Allele origin: germline.
Comment: For these reasons, this variant has been classified as Pathogenic. Loss-of-function variants in ATM are known to be pathogenic (PMID: 23807571, 25614872). This variant has not been reported in the literature in individuals with ATM-related conditions. This variant is not present in population databases (ExAC no frequency). This sequence change creates a premature translational stop signal (p.Phe1036Tyrfs*4) in the ATM gene. It is expected to result in an absent or disrupted protein product.

Literature cited by the submitters: PubMed 23807571; PubMed 25614872.